The following is an entry in ClinVar:

ClinVar aggregate classification (germline): Pathogenic. Review status: criteria provided, multiple submitters, no conflicts (2 of 4 stars). 2 submissions from 2 submitters: Pathogenic (2). Last evaluated 2024-01-13.

Conditions:
Polycystic kidney disease, adult type (PKD1). Also called: Polycystic Kidney, Autosomal Dominant; Polycystic Kidney Disease 1, Autosomal Dominant; Polycystic kidney disease 1; Polycystic kidney disease 1, severe; POLYCYSTIC KIDNEY DISEASE, ADULT, TYPE I; POLYCYSTIC KIDNEY DISEASE 1 WITH OR WITHOUT POLYCYSTIC LIVER DISEASE. Identifiers: MedGen C3149841, MONDO:0008263, OMIM 173900.

Submissions (2):

Fulgent Genetics
Classification: Pathogenic for Polycystic kidney disease, adult type. Last evaluated: 2024-01-13. Review status: criteria provided, single submitter. Criteria: ACMG Guidelines, 2015. Collection method: clinical testing. Allele origin: germline.

GeneDx
Classification: Pathogenic. Last evaluated: 2022-06-27. Review status: criteria provided, single submitter. Criteria: GeneDx Variant Classification Process June 2021. Collection method: clinical testing. Allele origin: germline. Affected: yes.
Comment: Nonsense variant predicted to result in protein truncation or nonsense mediated decay in a gene for which loss of function is a known mechanism of disease; Not observed at significant frequency in large population cohorts (gnomAD); Has not been previously published as pathogenic or benign to our knowledge

NM_001009944.3(PKD1):c.12323G>A (p.Trp4108Ter)

Gene: PKD1 (polycystin 1, transient receptor potential channel interacting; minus strand). Cytogenetic location: 16p13.3.
Variant type: single nucleotide variant.
Coding change: c.12323G>A on transcript NM_001009944.3 (MANE Select); coding-DNA position 12323, G replaced by A.
Protein change: p.Trp4108Ter; replaces tryptophan 4108 with a stop codon.
Molecular consequence: nonsense.
Genome position (GRCh38, 1-based): chr16:2,090,406, C>T on the plus strand (G>A on the coding strand, the complement: PKD1 is on the minus strand). VCF-style: chr16-2090406-C-T. GRCh37 (hg19) VCF-style: chr16-2140407-C-T.
Other names: c.12320G>A, p.Trp4107Ter (NM_000296.4); short protein forms W4107*, W4108*.
Identifiers: ClinVar variation 1809969 (VCV001809969.3), dbSNP rs2544586222, ClinGen allele CA394325435.